The following is an entry in ClinVar:

NM_004310.5(RHOH):c.205C>T (p.Arg69Trp)

Gene: RHOH (ras homolog family member H; plus strand). Cytogenetic location: 4p14.
Variant type: single nucleotide variant.
Coding change: c.205C>T on transcript NM_004310.5 (MANE Select); coding-DNA position 205, C replaced by T.
Protein change: p.Arg69Trp; replaces arginine 69 with tryptophan.
Molecular consequence: missense variant.
Genome position (GRCh38, 1-based): chr4:40,243,591, C>T. VCF-style: chr4-40243591-C-T. GRCh37 (hg19) VCF-style: chr4-40245211-C-T.
Other names: c.205C>T, p.Arg69Trp (NM_001278359.2, NM_001278360.2, NM_001278361.2 and 8 more transcripts); short protein forms R69W.
Identifiers: ClinVar variation 3606424 (VCV003606424.2).

ClinVar aggregate classification (germline): Uncertain significance (1 of 4 stars; one submission).

Conditions:
T-cell immunodeficiency with epidermodysplasia verruciformis. Identifiers: Orphanet 324294, MedGen C4749500, MONDO:0017925.

Submission:

Labcorp Genetics (formerly Invitae), Labcorp
Classification: Uncertain significance for T-cell immunodeficiency with epidermodysplasia verruciformis. Last evaluated: 2024-10-14. Review status: criteria provided, single submitter. Criteria: Invitae Variant Classification Sherloc (09022015). Collection method: clinical testing. Allele origin: germline.
Comment: This sequence change replaces arginine, which is basic and polar, with tryptophan, which is neutral and slightly polar, at codon 69 of the RHOH protein (p.Arg69Trp). This variant is present in population databases (rs766809804, gnomAD 0.003%). This variant has not been reported in the literature in individuals affected with RHOH-related conditions. An algorithm developed to predict the effect of missense changes on protein structure and function (PolyPhen-2) suggests that this variant is likely to be disruptive. In summary, the available evidence is currently insufficient to determine the role of this variant in disease. Therefore, it has been classified as a Variant of Uncertain Significance.